The following is an entry in ClinVar:

ClinVar aggregate classification (germline): Uncertain significance (1 of 4 stars; one submission).

Conditions:
Cryopyrin associated periodic syndrome (CAPS). Identifiers: Orphanet 208650, MedGen C2316212, MONDO:0016168.

Allele frequency attached by ClinVar (database versions not stated): gnomAD exomes below 0.00001.
gnomAD v4.1: 2 of 1,614,170 alleles (0.00012%); highest among the groups gnomAD compares: Non-Finnish European, 0.00017%; no homozygotes.

Submission:

Labcorp Genetics (formerly Invitae), Labcorp
Classification: Uncertain significance for Cryopyrin associated periodic syndrome. Last evaluated: 2024-07-31. Review status: criteria provided, single submitter. Criteria: Invitae Variant Classification Sherloc (09022015). Collection method: clinical testing. Allele origin: germline.
Comment: This sequence change replaces alanine, which is neutral and non-polar, with aspartic acid, which is acidic and polar, at codon 903 of the NLRP3 protein (p.Ala903Asp). This variant is present in population databases (no rsID available, gnomAD 0.0009%). This variant has not been reported in the literature in individuals affected with NLRP3-related conditions. Advanced modeling of protein sequence and biophysical properties (such as structural, functional, and spatial information, amino acid conservation, physicochemical variation, residue mobility, and thermodynamic stability) performed at Invitae indicates that this missense variant is not expected to disrupt NLRP3 protein function with a negative predictive value of 95%. In summary, the available evidence is currently insufficient to determine the role of this variant in disease. Therefore, it has been classified as a Variant of Uncertain Significance.

NM_001243133.2(NLRP3):c.2702C>A (p.Ala901Asp)

Gene: NLRP3 (NLR family pyrin domain containing 3; plus strand). Cytogenetic location: 1q44.
Variant type: single nucleotide variant.
Coding change: c.2702C>A on transcript NM_001243133.2 (MANE Select); coding-DNA position 2702, C replaced by A.
Protein change: p.Ala901Asp; replaces alanine 901 with aspartic acid.
Molecular consequence: missense variant.
Genome position (GRCh38, 1-based): chr1:247,444,010, C>A. VCF-style: chr1-247444010-C-A. GRCh37 (hg19) VCF-style: chr1-247607312-C-A.
Other names: c.2702C>A, p.Ala901Asp (NM_001079821.3); c.2531C>A, p.Ala844Asp (NM_001127461.3, NM_001127462.3); c.2708C>A, p.Ala903Asp (NM_004895.5); c.2360C>A, p.Ala787Asp (NM_183395.3); short protein forms A787D, A844D, A903D, A901D.
Identifiers: ClinVar variation 2920206 (VCV002920206.3), dbSNP rs1423219952, ClinGen allele CA345564881.
Genomic context (GRCh38, chr1:247,444,010, plus strand): 5'-TCTTCTCCCTGTCCTTCTACAGGTTGGTGAATTCTGGCCTTACGTCAGTCTGTTGTTCAG[C>A]TTTGTCCTCGGTACTCAGCACTAATCAGAATCTCACGCACCTTTACCTGCGAGGCAACAC-3'
Protein context (NP_001230062.1, residues 891-911): NSGLTSVCCS[Ala901Asp]LSSVLSTNQN